The following is an entry in ClinVar:

ClinVar aggregate classification (germline): Likely benign (0 of 4 stars; one submission).

Conditions:
JPH2-related disorder. Also called: JPH2-related condition.

Submission:

PreventionGenetics, part of Exact Sciences
Classification: Likely benign for JPH2-related condition. Last evaluated: 2020-10-28. Review status: no assertion criteria provided. Collection method: clinical testing. Allele origin: germline.
Comment: This variant is classified as likely benign based on ACMG/AMP sequence variant interpretation guidelines (Richards et al. 2015 PMID: 25741868, with internal and published modifications).

NM_020433.5(JPH2):c.1845A>G (p.Ala615=)

Gene: JPH2 (junctophilin 2; minus strand). Cytogenetic location: 20q13.12.
Variant type: single nucleotide variant.
Coding change: c.1845A>G on transcript NM_020433.5 (MANE Select); coding-DNA position 1845, A replaced by G.
Protein change: p.Ala615=; no amino-acid change (alanine 615 retained).
Molecular consequence: synonymous variant.
Genome position (GRCh38, 1-based): chr20:44,115,830, T>C on the plus strand (A>G on the coding strand, the complement: JPH2 is on the minus strand). VCF-style: chr20-44115830-T-C. GRCh37 (hg19) VCF-style: chr20-42744470-T-C.
Identifiers: ClinVar variation 3032107 (VCV003032107.2), dbSNP rs766000819, ClinGen allele CA510738910.
Genomic context (GRCh38, chr20:44,115,830, plus strand): 5'-GGCCCTGGGCTCGGCTTTGGGGATGATGGGCTTGGGCTCCAGCTTGGCGGGGGTCTCGCG[T>C]GCAGGCTCGGGGCCTCGGAGCGTGGGGGCCTGCAGCGGGGCGGTGGCCGGGGACGAGGGC-3'
Protein context (NP_065166.2, residues 605-625): QAPTLRGPEP[Ala615=]RETPAKLEPK